The following is an entry in ClinVar:

NM_005477.3(HCN4):c.3172T>G (p.Ser1058Ala)

Gene: HCN4 (hyperpolarization activated cyclic nucleotide gated potassium channel 4; minus strand). Cytogenetic location: 15q24.1.
Variant type: single nucleotide variant.
Coding change: c.3172T>G on transcript NM_005477.3 (MANE Select); coding-DNA position 3172, T replaced by G.
Protein change: p.Ser1058Ala; replaces serine 1058 with alanine.
Molecular consequence: missense variant.
Genome position (GRCh38, 1-based): chr15:73,322,921, A>C on the plus strand (T>G on the coding strand, the complement: HCN4 is on the minus strand). VCF-style: chr15-73322921-A-C. GRCh37 (hg19) VCF-style: chr15-73615262-A-C.
Other names: short protein forms S1058A.
Identifiers: ClinVar variation 424082 (VCV000424082.23), dbSNP rs1064796786, ClinGen allele CA16620005.

ClinVar aggregate classification (germline): Uncertain significance. Review status: criteria provided, multiple submitters, no conflicts (2 of 4 stars). 4 submissions from 4 submitters: Uncertain significance (4). Last evaluated 2025-10-08.

Conditions:
Brugada syndrome 8 (BRGDA8). Identifiers: Orphanet 130, MedGen C2751083, MONDO:0013148, OMIM 613123.
Epilepsy, idiopathic generalized, susceptibility to, 18. Identifiers: MedGen C5561983, MONDO:0030434, OMIM 619521.
Sick sinus syndrome 2, autosomal dominant (SSS2). Also called: ATRIAL FIBRILLATION WITH BRADYARRHYTHMIA; SICK SINUS SYNDROME 2; SICK SINUS SYNDROME 2 WITH OR WITHOUT CARDIAC NONCOMPACTION AND/OR ASCENDING AORTA DILATION; SINUS BRADYCARDIA SYNDROME, FAMILIAL, AUTOSOMAL DOMINANT; SINUS NODE DISEASE, FAMILIAL, AUTOSOMAL DOMINANT. Identifiers: Orphanet 166282, MedGen C1834144, MONDO:0008102, OMIM 163800.
Cardiovascular phenotype. Identifiers: MedGen CN230736.

Allele frequency attached by ClinVar (database versions not stated): gnomAD exomes below 0.00001; TOPMed below 0.00001; gnomAD 0.00001.
gnomAD v4.1: 4 of 1,402,138 alleles (0.00029%); highest among the groups gnomAD compares: Non-Finnish European, 0.00038%; no homozygotes.

Submissions (4):

Labcorp Genetics (formerly Invitae), Labcorp
Classification: Uncertain significance for Brugada syndrome 8. Last evaluated: 2025-10-08. Review status: criteria provided, single submitter. Criteria: Invitae Variant Classification Sherloc (09022015). Collection method: clinical testing. Allele origin: germline.
Comment: This sequence change replaces serine, which is neutral and polar, with alanine, which is neutral and non-polar, at codon 1058 of the HCN4 protein (p.Ser1058Ala). This variant is not present in population databases (gnomAD no frequency). This variant has not been reported in the literature in individuals affected with HCN4-related conditions. ClinVar contains an entry for this variant (Variation ID: 424082). Invitae Evidence Modeling of protein sequence and biophysical properties (such as structural, functional, and spatial information, amino acid conservation, physicochemical variation, residue mobility, and thermodynamic stability) indicates that this missense variant is not expected to disrupt HCN4 protein function with a negative predictive value of 95%. In summary, the available evidence is currently insufficient to determine the role of this variant in disease. Therefore, it has been classified as a Variant of Uncertain Significance.

Ambry Genetics
Classification: Uncertain significance for Cardiovascular phenotype. Last evaluated: 2025-01-30. Review status: criteria provided, single submitter. Criteria: Ambry Variant Classification Scheme 2023. Collection method: clinical testing. Allele origin: germline.
Comment: The p.S1058A variant (also known as c.3172T>G), located in coding exon 8 of the HCN4 gene, results from a T to G substitution at nucleotide position 3172. The serine at codon 1058 is replaced by alanine, an amino acid with similar properties. This amino acid position is well conserved in available vertebrate species. In addition, this alteration is predicted to be tolerated by in silico analysis. Based on the available evidence, the clinical significance of this variant remains unclear.

Fulgent Genetics
Classification: Uncertain significance for Sick sinus syndrome 2, autosomal dominant; Brugada syndrome 8; Epilepsy, idiopathic generalized, susceptibility to, 18. Last evaluated: 2021-08-04. Review status: criteria provided, single submitter. Criteria: ACMG Guidelines, 2015. Collection method: clinical testing. Allele origin: unknown.

GeneDx
Classification: Uncertain significance. Last evaluated: 2017-03-08. Review status: criteria provided, single submitter. Criteria: GeneDx Variant Classification (06012015). Collection method: clinical testing. Allele origin: germline. Affected: yes.
Comment: A variant of uncertain significance has been identified in the HCN4 gene. The S1058A variant has not been published as pathogenic or been reported as benign to our knowledge. This variant is not observed in large population cohorts (Lek et al., 2016; 1000 Genomes Consortium et al., 2015; Exome Variant Server). The S1058A variant is a non-conservative amino acid substitution, which is likely to impact secondary protein structure as these residues differ in polarity, charge, size and/or other properties. However, this substitution occurs at a position that is only conserved in mammals and where alanine is present as the wild type in several non-mammalian species. Finally, in silico analysis suggests that this variant likely does not alter the protein structure/function.